The following is an entry in ClinVar:

ClinVar aggregate classification (germline): Uncertain significance (1 of 4 stars; one submission).

gnomAD v4.1: 14 of 1,613,636 alleles (0.00087%); highest among the groups gnomAD compares: Non-Finnish European, 0.0012%; no homozygotes.

Submission:

Labcorp Genetics (formerly Invitae), Labcorp
Classification: Uncertain significance. Last evaluated: 2024-08-28. Review status: criteria provided, single submitter. Criteria: Invitae Variant Classification Sherloc (09022015). Collection method: clinical testing. Allele origin: germline.
Comment: This sequence change replaces glutamic acid, which is acidic and polar, with aspartic acid, which is acidic and polar, at codon 602 of the ZCCHC8 protein (p.Glu602Asp). This variant is not present in population databases (gnomAD no frequency). This variant has not been reported in the literature in individuals affected with ZCCHC8-related conditions. Invitae Evidence Modeling of protein sequence and biophysical properties (such as structural, functional, and spatial information, amino acid conservation, physicochemical variation, residue mobility, and thermodynamic stability) indicates that this missense variant is not expected to disrupt ZCCHC8 protein function with a negative predictive value of 80%. In summary, the available evidence is currently insufficient to determine the role of this variant in disease. Therefore, it has been classified as a Variant of Uncertain Significance.

NM_017612.5(ZCCHC8):c.1806G>C (p.Glu602Asp)

Gene: ZCCHC8 (zinc finger CCHC-type containing 8; minus strand). Cytogenetic location: 12q24.31.
Variant type: single nucleotide variant.
Coding change: c.1806G>C on transcript NM_017612.5 (MANE Select); coding-DNA position 1806, G replaced by C.
Protein change: p.Glu602Asp; replaces glutamic acid 602 with aspartic acid.
Molecular consequence: missense variant.
Genome position (GRCh38, 1-based): chr12:122,473,815, C>G on the plus strand (G>C on the coding strand, the complement: ZCCHC8 is on the minus strand). VCF-style: chr12-122473815-C-G. GRCh37 (hg19) VCF-style: chr12-122958362-C-G.
Other names: c.1575G>C, p.Glu525Asp (NM_001350935.2); c.1509G>C, p.Glu503Asp (NM_001350936.2); c.1092G>C, p.Glu364Asp (NM_001350937.2, NM_001350938.2); short protein forms E503D, E525D, E364D, E602D.
Identifiers: ClinVar variation 3715800 (VCV003715800.2).